The following is an entry in ClinVar:

NM_001367624.2(ZNF469):c.7960G>A (p.Asp2654Asn)

Gene: ZNF469 (zinc finger protein 469; plus strand). Cytogenetic location: 16q24.2.
Variant type: single nucleotide variant.
Coding change: c.7960G>A on transcript NM_001367624.2 (MANE Select); coding-DNA position 7960, G replaced by A.
Protein change: p.Asp2654Asn; replaces aspartic acid 2654 with asparagine.
Molecular consequence: missense variant.
Genome position (GRCh38, 1-based): chr16:88,435,430, G>A. VCF-style: chr16-88435430-G-A. GRCh37 (hg19) VCF-style: chr16-88501838-G-A.
Other names: NM_001127464.1:c.7876G>A; short protein forms D2654N.
Identifiers: ClinVar variation 3476185 (VCV003476185.1).
Genomic context (GRCh38, chr16:88,435,430, plus strand): 5'-AAAAGGGGAAAGCTGAGAGGGAGAAGGCTCCGGGAGGAGAGCATTCTTCCAGTCTCTGCT[G>A]ATGTGATTTCAGATGGGCGCGGCTCCAGACCATCCCCTGCAATGGCCAGTTACGCAGCCT-3'
Protein context (NP_001354553.1, residues 2644-2664): REESILPVSA[Asp2654Asn]VISDGRGSRP

ClinVar aggregate classification (germline): Uncertain significance (1 of 4 stars; one submission).

Conditions:
Cardiovascular phenotype. Identifiers: MedGen CN230736.

gnomAD v4.1: 13 of 1,550,256 alleles (0.00084%); highest among the groups gnomAD compares: Non-Finnish European, 0.0011%; no homozygotes.

Submission:

Ambry Genetics
Classification: Uncertain significance for Cardiovascular phenotype. Last evaluated: 2024-08-19. Review status: criteria provided, single submitter. Criteria: Ambry Variant Classification Scheme 2023. Collection method: clinical testing. Allele origin: germline.
Comment: The p.D2626N variant (also known as c.7876G>A), located in coding exon 2 of the ZNF469 gene, results from a G to A substitution at nucleotide position 7876. The aspartic acid at codon 2626 is replaced by asparagine, an amino acid with highly similar properties. This amino acid position is conserved. In addition, this alteration is predicted to be tolerated by in silico analysis. Based on the available evidence, the clinical significance of this variant remains unclear.